The following is an entry in ClinVar:

NM_001134225.2(INPP4A):c.2356C>A (p.Leu786Met)

Gene: INPP4A (inositol polyphosphate-4-phosphatase type I A; plus strand). Cytogenetic location: 2q11.2.
Variant type: single nucleotide variant.
Coding change: c.2356C>A on transcript NM_001134225.2 (MANE Select); coding-DNA position 2356, C replaced by A.
Protein change: p.Leu786Met; replaces leucine 786 with methionine.
Molecular consequence: missense variant.
Genome position (GRCh38, 1-based): chr2:98,566,105, C>A. VCF-style: chr2-98566105-C-A. GRCh37 (hg19) VCF-style: chr2-99182568-C-A.
Other names: c.2371C>A, p.Leu791Met (NM_001134224.2); c.2257C>A, p.Leu753Met (NM_001351424.1, NM_001351425.2, NM_001351426.2); c.2254C>A, p.Leu752Met (NM_001351427.2, NM_001566.2, NM_004027.3); c.2239C>A, p.Leu747Met (NM_001351428.2); c.2206C>A, p.Leu736Met (NM_001351429.2); short protein forms L736M, L747M, L752M, L753M, L786M, L791M.
Identifiers: ClinVar variation 3906830 (VCV003906830.1).

ClinVar aggregate classification (germline): Uncertain significance (1 of 4 stars; one submission).

Submission:

GeneDx
Classification: Uncertain significance. Last evaluated: 2024-12-19. Review status: criteria provided, single submitter. Criteria: GeneDx Variant Classification Process June 2021. Collection method: clinical testing. Allele origin: germline. Affected: yes.
Comment: Not observed at significant frequency in large population cohorts (gnomAD); In silico analysis indicates that this missense variant does not alter protein structure/function; Has not been previously published as pathogenic or benign to our knowledge